The following is an entry in ClinVar:

ClinVar aggregate classification (germline): Likely benign. Review status: criteria provided, multiple submitters, no conflicts (2 of 4 stars). 2 submissions from 2 submitters: Likely benign (2). Last evaluated 2026-06-01.

gnomAD v4.1: 471 of 1,610,808 alleles (0.029%); highest among the groups gnomAD compares: East Asian, 0.28%; 7 homozygotes.

Submissions (2):

CeGaT Center for Human Genetics Tuebingen
Classification: Likely benign. Last evaluated: 2026-06-01. Review status: criteria provided, single submitter. Criteria: CeGaT Center For Human Genetics Tuebingen Variant Classification Criteria Version 2. Collection method: clinical testing. Allele origin: germline. Affected: yes. Observed: 1 variant allele.
Comment: AHNAK2: BP4, BS1

Ambry Genetics
Classification: Likely benign. Last evaluated: 2025-08-06. Review status: criteria provided, single submitter. Criteria: Ambry Variant Classification Scheme 2023. Collection method: clinical testing. Allele origin: germline.

NM_138420.4(AHNAK2):c.10625T>C (p.Leu3542Pro)

Gene: AHNAK2 (AHNAK nucleoprotein 2; minus strand). Cytogenetic location: 14q32.33.
Variant type: single nucleotide variant.
Coding change: c.10625T>C on transcript NM_138420.4 (MANE Select); coding-DNA position 10625, T replaced by C.
Protein change: p.Leu3542Pro; replaces leucine 3542 with proline.
Molecular consequence: missense variant.
Genome position (GRCh38, 1-based): chr14:104,944,826, A>G on the plus strand (T>C on the coding strand, the complement: AHNAK2 is on the minus strand). VCF-style: chr14-104944826-A-G. GRCh37 (hg19) VCF-style: chr14-105411163-A-G.
Other names: c.10325T>C, p.Leu3442Pro (NM_001350929.2); short protein forms L3442P, L3542P.
Identifiers: ClinVar variation 4256165 (VCV004256165.3).